The following is an entry in ClinVar:

NM_001378457.1(DMXL2):c.937C>T (p.His313Tyr)

Gene: DMXL2 (Dmx like 2; minus strand). Cytogenetic location: 15q21.2.
Variant type: single nucleotide variant.
Coding change: c.937C>T on transcript NM_001378457.1 (MANE Select); coding-DNA position 937, C replaced by T.
Protein change: p.His313Tyr; replaces histidine 313 with tyrosine.
Molecular consequence: missense variant. On other transcripts: non-coding transcript variant (2).
Genome position (GRCh38, 1-based): chr15:51,542,501, G>A on the plus strand (C>T on the coding strand, the complement: DMXL2 is on the minus strand). VCF-style: chr15-51542501-G-A. GRCh37 (hg19) VCF-style: chr15-51834698-G-A.
Other names: c.937C>T, p.His313Tyr (NM_001174116.3, NM_001174117.3, NM_001378458.1 and 7 more transcripts); short protein forms H313Y.
Identifiers: ClinVar variation 2574511 (VCV002574511.1), dbSNP rs2548627837, ClinGen allele CA392468783.
Genomic context (GRCh38, chr15:51,542,501, plus strand): 5'-CAGCATGAGTTACAAGAACAGATGACCTCCTCTGTCCTTTCCTTAAATTTTTCAAATGGT[G>A]TATTGTCTAAAATAGAAAAATAGTTGCTGAGTCCAACTCTGGAACCTCTAATAAATGCCA-3'
Protein context (NP_001365386.1, residues 303-323): DRIQHALETI[His313Tyr]HLKNLRKGQR

ClinVar aggregate classification (germline): Uncertain significance (1 of 4 stars; one submission).

Submission:

GeneDx
Classification: Uncertain significance. Last evaluated: 2023-01-30. Review status: criteria provided, single submitter. Criteria: GeneDx Variant Classification Process June 2021. Collection method: clinical testing. Allele origin: germline. Affected: yes.
Comment: Not observed at significant frequency in large population cohorts (gnomAD); In silico analysis supports that this missense variant does not alter protein structure/function; Has not been previously published as pathogenic or benign to our knowledge